The following is an entry in ClinVar:

NM_153212.3(GJB4):c.535C>T (p.Arg179Trp)

Gene: GJB4 (gap junction protein beta 4; plus strand). Cytogenetic location: 1p34.3.
Variant type: single nucleotide variant.
Coding change: c.535C>T on transcript NM_153212.3 (MANE Select); coding-DNA position 535, C replaced by T.
Protein change: p.Arg179Trp; replaces arginine 179 with tryptophan.
Molecular consequence: missense variant.
Genome position (GRCh38, 1-based): chr1:34,761,789, C>T. VCF-style: chr1-34761789-C-T. GRCh37 (hg19) VCF-style: chr1-35227390-C-T.
Other names: short protein forms R179W.
Identifiers: ClinVar variation 4881692 (VCV004881692.2).

ClinVar aggregate classification (germline): Uncertain significance (1 of 4 stars; one submission).

Conditions:
Erythrokeratodermia variabilis et progressiva 2 (EKVP2). Identifiers: MedGen C4479618, MONDO:0033012, OMIM 617524.

Submission:

Dasa
Classification: Uncertain significance for Erythrokeratodermia variabilis et progressiva 2. Last evaluated: 2026-01-07. Review status: criteria provided, single submitter. Criteria: DASA Assertion Criteria. Collection method: clinical testing. Allele origin: germline.
Comment: NM_153212.3(GJB4):c.535C>T (p.Arg179Trp) is a missense variant that results in the substitution of arginine with tryptophan. This variant is rare in population databases. Computational prediction algorithms are consistent with a deleterious effect. The currently available literature and clinical evidence are not sufficient to establish a definitive association between this variant and the reported condition. Therefore, this variant is classified as a variant of uncertain significance.